The following is an entry in ClinVar:

ClinVar aggregate classification (germline): Uncertain significance (1 of 4 stars; one submission).

Submission:

Labcorp Genetics (formerly Invitae), Labcorp
Classification: Uncertain significance. Last evaluated: 2024-06-09. Review status: criteria provided, single submitter. Criteria: Invitae Variant Classification Sherloc (09022015). Collection method: clinical testing. Allele origin: germline.
Comment: This sequence change replaces arginine, which is basic and polar, with tryptophan, which is neutral and slightly polar, at codon 555 of the DVL1 protein (p.Arg555Trp). This variant is present in population databases (rs749297714, gnomAD 0.008%). This variant has not been reported in the literature in individuals affected with DVL1-related conditions. Advanced modeling of protein sequence and biophysical properties (such as structural, functional, and spatial information, amino acid conservation, physicochemical variation, residue mobility, and thermodynamic stability) performed at Invitae indicates that this missense variant is not expected to disrupt DVL1 protein function with a negative predictive value of 80%. In summary, the available evidence is currently insufficient to determine the role of this variant in disease. Therefore, it has been classified as a Variant of Uncertain Significance.

NM_001330311.2(DVL1):c.1738C>T (p.Arg580Trp)

Gene: DVL1 (dishevelled segment polarity protein 1; minus strand). Cytogenetic location: 1p36.33.
Variant type: single nucleotide variant.
Coding change: c.1738C>T on transcript NM_001330311.2 (MANE Select); coding-DNA position 1738, C replaced by T.
Protein change: p.Arg580Trp; replaces arginine 580 with tryptophan.
Molecular consequence: missense variant.
Genome position (GRCh38, 1-based): chr1:1,336,492, G>A on the plus strand (C>T on the coding strand, the complement: DVL1 is on the minus strand). VCF-style: chr1-1336492-G-A. GRCh37 (hg19) VCF-style: chr1-1271872-G-A.
Other names: c.1663C>T, p.Arg555Trp (NM_004421.3); short protein forms R555W, R580W.
Identifiers: ClinVar variation 3718167 (VCV003718167.2).